The following is an entry in ClinVar:

NC_000001.11:g.(?_197438537)_(197442544_?)del

Gene: CRB1 (crumbs cell polarity complex component 1; plus strand). Cytogenetic location: 1q31.3.
Variant type: Deletion.
Identifiers: ClinVar variation 831883 (VCV000831883.1).

ClinVar aggregate classification (germline): Pathogenic (1 of 4 stars; one submission).

Conditions:
Leber congenital amaurosis 8 (LCA8). Identifiers: Orphanet 65, MedGen C3151202, MONDO:0013453, OMIM 613835.
Retinitis pigmentosa 12 (RP12). Also called: RP WITH OR WITHOUT PPRPE; RP WITH OR WITHOUT PRESERVED PARAARTERIOLE RETINAL PIGMENT EPITHELIUM; RETINITIS PIGMENTOSA WITH OR WITHOUT PARAARTERIOLAR PRESERVATION OF RETINAL PIGMENT EPITHELIUM. Identifiers: Orphanet 791, MedGen C1838647, MONDO:0010818, OMIM 600105.

Submission:

Labcorp Genetics (formerly Invitae), Labcorp
Classification: Pathogenic for Leber congenital amaurosis 8; Retinitis pigmentosa 12. Last evaluated: 2019-02-07. Review status: criteria provided, single submitter. Criteria: Invitae Variant Classification Sherloc (09022015). Collection method: clinical testing. Allele origin: germline.
Comment: This variant is a sub-genic deletion of the genomic region encompassing exons 10-11 of the CRB1 gene. While this deletion is not anticipated to result in nonsense mediated decay, it is expected to create a truncated protein product. This variant has not been reported in the literature in individuals with CRB1-related conditions. This variant disrupts the C-terminus of the CRB1 protein. Another variant that disrupts this region (p.Arg1390*) have been determined to be pathogenic (PMID:24715753, 23379534, 29068479). This suggests that variants that disrupt this region of the protein are likely to be causative of disease. For these reasons, this variant has been classified as Pathogenic.

Literature cited by the submitters: PubMed 23379534; PubMed 29068479; PubMed 24715753.